The following is an entry in ClinVar:

NC_000017.10:g.(?_14139889)_(15406546_?)dup

Genes: CDRT15 (CMT1A duplicated region transcript 15; minus strand), CDRT4 (CMT1A duplicated region transcript 4; minus strand), HS3ST3B1 (heparan sulfate-glucosamine 3-sulfotransferase 3B1; plus strand), PMP22 (peripheral myelin protein 22; minus strand), TEKT3 (tektin 3; minus strand) and 2 more. Cytogenetic location: 17p12.
Variant type: Duplication.
Identifiers: ClinVar variation 583564 (VCV000583564.1).

ClinVar aggregate classification (germline): Pathogenic (1 of 4 stars; one submission).

Conditions:
Charcot-Marie-Tooth disease, type I (CMT1). Also called: Charcot-Marie-Tooth disease type 1; Charcot-Marie-Tooth, Type 1. Identifiers: Orphanet 65753, MedGen C0751036, MONDO:0019011.

Submission:

Labcorp Genetics (formerly Invitae), Labcorp
Classification: Pathogenic for Charcot-Marie-Tooth disease, type I. Last evaluated: 2018-05-31. Review status: criteria provided, single submitter. Criteria: Invitae Variant Classification Sherloc (09022015). Collection method: clinical testing. Allele origin: germline.
Comment: This variant results in a copy number gain of the genomic region encompassing the full coding sequence of the PMP22 gene. The boundaries of this event are unknown as they extend beyond the assayed region for this gene and therefore may encompass additional genes. As the precise location of this event is unknown, it may be in tandem or it may be located elsewhere in the genome. Copy number gains of the PMP22 gene cause Charcot-Marie-Tooth type 1A (CMT1A) (PMID: 1677316, 1822787) and have been shown to lead to increased gene dosage as the functional defect in individuals with CMT1A (PMID: 1303230). For these reasons, this variant has been classified as Pathogenic.

Literature cited by the submitters: PubMed 1677316; PubMed 1303230; PubMed 1822787.